The following is an entry in ClinVar:

ClinVar aggregate classification (germline): Likely benign (1 of 4 stars; one submission).

gnomAD v4.1: 2 of 1,614,090 alleles (0.00012%); highest among the groups gnomAD compares: African/African-American, 0.0013%; no homozygotes.

Submission:

Mayo Clinic Laboratories, Mayo Clinic
Classification: Likely benign. Last evaluated: 2025-03-11. Review status: criteria provided, single submitter. Criteria: ACMG Guidelines, 2015. Collection method: clinical testing. Allele origin: germline. Observed: 1 variant allele.
Comment: BP4, BP7

NM_182476.3(COQ6):c.1327T>C (p.Leu443=)

Genes: COQ6 (coenzyme Q6, monooxygenase; plus strand), ENTPD5 (ectonucleoside triphosphate diphosphohydrolase 5; minus strand). Cytogenetic location: 14q24.3.
Variant type: single nucleotide variant.
Coding change: c.1327T>C on transcript NM_182476.3 (MANE Select); coding-DNA position 1327, T replaced by C.
Protein change: p.Leu443=; no amino-acid change (leucine 443 retained).
Molecular consequence: synonymous variant. On other transcripts: intron variant (7).
Genome position (GRCh38, 1-based): chr14:73,961,853, T>C. VCF-style: chr14-73961853-T-C. GRCh37 (hg19) VCF-style: chr14-74428556-T-C.
Other names: p.Leu443=; c.1219T>C, p.Leu407= (NM_001425256.1); c.1162T>C, p.Leu388= (NM_001425257.1); c.1144T>C, p.Leu382= (NM_001425258.1); c.1102T>C, p.Leu368= (NM_001425259.1, NM_001425260.1, NM_001425261.1); c.1072T>C, p.Leu358= (NM_001425262.1); c.1000T>C, p.Leu334= (NM_001425263.1); c.787T>C, p.Leu263= (NM_001425264.1, NM_001425265.1); and 6 more.
Identifiers: ClinVar variation 4683898 (VCV004683898.1).